The following is an entry in ClinVar:

ClinVar aggregate classification (germline): Uncertain significance. Review status: criteria provided, multiple submitters, no conflicts (2 of 4 stars). 3 submissions from 3 submitters: Uncertain significance (3). Last evaluated 2025-05-21.

Conditions:
Emery-Dreifuss muscular dystrophy 4, autosomal dominant (EDMD4). Also called: EMERY-DREIFUSS MUSCULAR DYSTROPHY 4 WITH VARIABLE FEATURES. Identifiers: Orphanet 261, MedGen C2751807, MONDO:0013071, OMIM 612998.
Autosomal recessive ataxia, Beauce type. Also called: ATAXIA, RECESSIVE, OF BEAUCE; SYNE1 Deficiency; Spinocerebellar ataxia, autosomal recessive 8; SYNE1-Related Autosomal Recessive Cerebellar Ataxia. Identifiers: Orphanet 88644, MedGen C1853116, MONDO:0012549, OMIM 610743.

Allele frequency attached by ClinVar (database versions not stated): gnomAD 0.00002; gnomAD exomes 0.00003; TOPMed 0.00003.
gnomAD v4.1: 49 of 1,613,866 alleles (0.003%); highest among the groups gnomAD compares: Non-Finnish European, 0.004%; no homozygotes.

Submissions (3):

GeneDx
Classification: Uncertain significance. Last evaluated: 2025-05-21. Review status: criteria provided, single submitter. Criteria: GeneDx Variant Classification Process June 2021. Collection method: clinical testing. Allele origin: germline. Affected: yes.
Comment: Not observed at significant frequency in large population cohorts (gnomAD); In silico analysis suggests that this missense variant does not alter protein structure/function; Has not been previously published as pathogenic or benign to our knowledge

Revvity Omics, Revvity
Classification: Uncertain significance. Last evaluated: 2025-03-10. Review status: criteria provided, single submitter. Criteria: ACMG Guidelines, 2015. Collection method: clinical testing. Allele origin: germline.

Labcorp Genetics (formerly Invitae), Labcorp
Classification: Uncertain significance for Emery-Dreifuss muscular dystrophy 4, autosomal dominant; Autosomal recessive ataxia, Beauce type. Last evaluated: 2023-12-01. Review status: criteria provided, single submitter. Criteria: Invitae Variant Classification Sherloc (09022015). Collection method: clinical testing. Allele origin: germline.
Comment: This sequence change replaces serine, which is neutral and polar, with asparagine, which is neutral and polar, at codon 2625 of the SYNE1 protein (p.Ser2625Asn). This variant is present in population databases (rs773929134, gnomAD 0.003%). This variant has not been reported in the literature in individuals affected with SYNE1-related conditions. ClinVar contains an entry for this variant (Variation ID: 2436603). Algorithms developed to predict the effect of missense changes on protein structure and function output the following: SIFT: "Not Available"; PolyPhen-2: "Benign"; Align-GVGD: "Not Available". The asparagine amino acid residue is found in multiple mammalian species, which suggests that this missense change does not adversely affect protein function. In summary, the available evidence is currently insufficient to determine the role of this variant in disease. Therefore, it has been classified as a Variant of Uncertain Significance.

NM_182961.4(SYNE1):c.7853G>A (p.Ser2618Asn)

Gene: SYNE1 (spectrin repeat containing nuclear envelope protein 1; minus strand). Cytogenetic location: 6q25.2.
Variant type: single nucleotide variant.
Coding change: c.7853G>A on transcript NM_182961.4 (MANE Select); coding-DNA position 7853, G replaced by A.
Protein change: p.Ser2618Asn; replaces serine 2618 with asparagine.
Molecular consequence: missense variant.
Genome position (GRCh38, 1-based): chr6:152,391,428, C>T on the plus strand (G>A on the coding strand, the complement: SYNE1 is on the minus strand). VCF-style: chr6-152391428-C-T. GRCh37 (hg19) VCF-style: chr6-152712563-C-T.
Other names: c.7874G>A, p.Ser2625Asn (NM_033071.5); short protein forms S2618N, S2625N.
Identifiers: ClinVar variation 2436603 (VCV002436603.7), dbSNP rs773929134, ClinGen allele CA150191064.